The following is an entry in ClinVar:

NM_014244.5(ADAMTS2):c.2414C>T (p.Thr805Met)

Gene: ADAMTS2 (ADAM metallopeptidase with thrombospondin type 1 motif 2; minus strand). Cytogenetic location: 5q35.3.
Variant type: single nucleotide variant.
Coding change: c.2414C>T on transcript NM_014244.5 (MANE Select); coding-DNA position 2414, C replaced by T.
Protein change: p.Thr805Met; replaces threonine 805 with methionine.
Molecular consequence: missense variant.
Genome position (GRCh38, 1-based): chr5:179,129,975, G>A on the plus strand (C>T on the coding strand, the complement: ADAMTS2 is on the minus strand). VCF-style: chr5-179129975-G-A. GRCh37 (hg19) VCF-style: chr5-178556976-G-A.
Other names: short protein forms T805M.
Identifiers: ClinVar variation 537396 (VCV000537396.8), dbSNP rs370350117, ClinGen allele CA3595564.

ClinVar aggregate classification (germline): Uncertain significance. Review status: criteria provided, multiple submitters, no conflicts (2 of 4 stars). 3 submissions from 3 submitters: Uncertain significance (2). 1 of the submissions does not count toward it. Last evaluated 2026-01-04.

Conditions:
Ehlers-Danlos syndrome, dermatosparaxis type. Also called: EDS VIIC; Dermatosparaxis; Ehlers-Danlos syndrome, type VII, autosomal recessive. Identifiers: Orphanet 1901, MedGen C2700425, MONDO:0009161, OMIM 225410.

Allele frequency attached by ClinVar (database versions not stated): gnomAD below 0.00001 and 0.00001; TOPMed 0.00001; ESP Exome Variant Server 0.00008; 1000 Genomes Project 30x 0.00016; 1000 Genomes Project 0.00020.
gnomAD v4.1: 72 of 1,614,048 alleles (0.0045%); highest among the groups gnomAD compares: South Asian, 0.0055%; no homozygotes.

Submissions (3):

Labcorp Genetics (formerly Invitae), Labcorp
Classification: Uncertain significance for Ehlers-Danlos syndrome, dermatosparaxis type. Last evaluated: 2026-01-04. Review status: criteria provided, single submitter. Criteria: Invitae Variant Classification Sherloc (09022015). Collection method: clinical testing. Allele origin: germline.
Comment: This sequence change replaces threonine, which is neutral and polar, with methionine, which is neutral and non-polar, at codon 805 of the ADAMTS2 protein (p.Thr805Met). This variant is present in population databases (rs370350117, gnomAD 0.01%). This variant has not been reported in the literature in individuals affected with ADAMTS2-related conditions. ClinVar contains an entry for this variant (Variation ID: 537396). An algorithm developed to predict the effect of missense changes on protein structure and function (PolyPhen-2) suggests that this variant is likely to be disruptive. In summary, the available evidence is currently insufficient to determine the role of this variant in disease. Therefore, it has been classified as a Variant of Uncertain Significance.

GeneDx
Classification: Uncertain significance. Last evaluated: 2022-01-12. Review status: criteria provided, single submitter. Criteria: GeneDx Variant Classification Process June 2021. Collection method: clinical testing. Allele origin: germline. Affected: yes.
Comment: Has not been previously published as pathogenic or benign to our knowledge; Not observed at significant frequency in large population cohorts (gnomAD); In silico analysis supports that this missense variant has a deleterious effect on protein structure/function

Natera, Inc.
Classification: Uncertain significance for Ehlers-Danlos syndrome type VIIC. Last evaluated: 2019-10-28. Review status: no assertion criteria provided. Collection method: clinical testing. Allele origin: germline. Not counted in ClinVar's aggregate classification.